The following is an entry in ClinVar:

ClinVar aggregate classification (germline): Likely benign. Review status: criteria provided, single submitter (1 of 4 stars). 2 submissions from 2 submitters: Likely benign (1). 1 of the submissions does not count toward it. Last evaluated 2024-04-29.

Conditions:
Congenital myasthenic syndrome 8. Also called: MYASTHENIC SYNDROME, CONGENITAL, DUE TO AGRIN DEFICIENCY; Myasthenic syndrome, congenital, 8, with pre- and postsynaptic defects. Identifiers: Orphanet 590, MedGen C3808739, MONDO:0014052, OMIM 615120.
AGRN-related disorder. Also called: AGRN-related condition.

Allele frequency attached by ClinVar (database versions not stated): ExAC 0.00003; gnomAD exomes 0.00005; TOPMed 0.00005; gnomAD 0.00006 and 0.00007; ESP Exome Variant Server 0.00015.
gnomAD v4.1: 92 of 1,608,678 alleles (0.0057%); highest among the groups gnomAD compares: South Asian, 0.027%; 1 homozygote.

Submissions (2):

Labcorp Genetics (formerly Invitae), Labcorp
Classification: Likely benign for Congenital myasthenic syndrome 8. Last evaluated: 2024-04-29. Review status: criteria provided, single submitter. Criteria: Invitae Variant Classification Sherloc (09022015). Collection method: clinical testing. Allele origin: germline.

PreventionGenetics, part of Exact Sciences
Classification: Likely benign for AGRN-related condition. Last evaluated: 2021-02-04. Review status: no assertion criteria provided. Collection method: clinical testing. Allele origin: germline. Not counted in ClinVar's aggregate classification.
Comment: This variant is classified as likely benign based on ACMG/AMP sequence variant interpretation guidelines (Richards et al. 2015 PMID: 25741868, with internal and published modifications).

NM_198576.4(AGRN):c.1539C>T (p.Cys513=)

Gene: AGRN (agrin; plus strand). Cytogenetic location: 1p36.33.
Variant type: single nucleotide variant.
Coding change: c.1539C>T on transcript NM_198576.4 (MANE Select); coding-DNA position 1539, C replaced by T.
Protein change: p.Cys513=; no amino-acid change (cysteine 513 retained).
Molecular consequence: synonymous variant.
Genome position (GRCh38, 1-based): chr1:1,043,393, C>T. VCF-style: chr1-1043393-C-T. GRCh37 (hg19) VCF-style: chr1-978773-C-T.
Other names: c.1539C>T, p.Cys513= (NM_001305275.2); c.1224C>T, p.Cys408= (NM_001364727.2).
Identifiers: ClinVar variation 474101 (VCV000474101.11), dbSNP rs370615022, ClinGen allele CA508220.